The following is an entry in ClinVar:

NM_002293.4(LAMC1):c.2944+6G>A

Gene: LAMC1 (laminin subunit gamma 1; plus strand). Cytogenetic location: 1q25.3.
Variant type: single nucleotide variant.
Coding change: c.2944+6G>A on transcript NM_002293.4 (MANE Select); 6 bases into the intron after coding-DNA position 2944, G replaced by A.
Molecular consequence: intron variant.
Genome position (GRCh38, 1-based): chr1:183,126,268, G>A. VCF-style: chr1-183126268-G-A. GRCh37 (hg19) VCF-style: chr1-183095403-G-A.
Other names: NC_000001.10:g.183095403G>A.
Identifiers: ClinVar variation 2639625 (VCV002639625.25), dbSNP rs144411060, ClinGen allele CA1281506.
Genomic context (GRCh38, chr1:183,126,268, plus strand): 5'-CACTGTGAGCGCTGTGAGGTCAACCACTTTGGGTTTGGACCTGAAGGCTGCAAACGTAAG[G>A]GGTGTTGGTGGCATACAACTCTAAGCTTCCACTAATTCCAGTTAGTGTCTTAAGGCCAGA-3'

ClinVar aggregate classification (germline): Likely benign (1 of 4 stars; one submission).

Allele frequency attached by ClinVar (database versions not stated): ESP Exome Variant Server 0.00169; gnomAD 0.00192; 1000 Genomes Project 30x 0.00219; 1000 Genomes Project 0.00220; TOPMed 0.00238; ExAC 0.00311.
gnomAD v4.1: 3,459 of 1,612,108 alleles (0.21%); highest among the groups gnomAD compares: Middle Eastern, 3.9%; 27 homozygotes.

Submissions (3):

CeGaT Center for Human Genetics Tuebingen
Classification: Likely benign. Last evaluated: 2025-06-01. Review status: criteria provided, single submitter. Criteria: CeGaT Center For Human Genetics Tuebingen Variant Classification Criteria Version 2. Collection method: clinical testing. Allele origin: germline. Affected: yes. Observed: 4 variant alleles.
Comment: LAMC1: BS2

Dr. Peter K. Rogan Lab, Western University
No classification provided (evidence only). Condition: Familial cancer of breast. Review status: no classification provided. Collection method: in vitro. Allele origin: not applicable. Functional consequence: retained intron. Not counted in ClinVar's aggregate classification.

Dr. Peter K. Rogan Lab, Western University
No classification provided (evidence only). Condition: Gastric cancer. Review status: no classification provided. Collection method: in vitro. Allele origin: not applicable. Functional consequence: retained intron. Not counted in ClinVar's aggregate classification.